The following is an entry in ClinVar:

ClinVar aggregate classification (germline): Likely benign (1 of 4 stars; one submission).

gnomAD v4.1: 7 of 1,607,370 alleles (0.00044%); highest among the groups gnomAD compares: Middle Eastern, 0.017%; no homozygotes.

Submission:

GeneDx
Classification: Likely benign. Last evaluated: 2017-03-10. Review status: criteria provided, single submitter. Criteria: GeneDx Variant Classification (06012015). Collection method: clinical testing. Allele origin: germline. Affected: yes.
Comment: This variant is considered likely benign or benign based on one or more of the following criteria: it is a conservative change, it occurs at a poorly conserved position in the protein, it is predicted to be benign by multiple in silico algorithms, and/or has population frequency not consistent with disease.

NM_002291.3(LAMB1):c.3946+16T>C

Gene: LAMB1 (laminin subunit beta 1; minus strand). Cytogenetic location: 7q31.1.
Variant type: single nucleotide variant.
Coding change: c.3946+16T>C on transcript NM_002291.3 (MANE Select); 16 bases into the intron after coding-DNA position 3946, T replaced by C.
Molecular consequence: intron variant.
Genome position (GRCh38, 1-based): chr7:107,937,077, A>G on the plus strand (T>C on the coding strand, the complement: LAMB1 is on the minus strand). VCF-style: chr7-107937077-A-G. GRCh37 (hg19) VCF-style: chr7-107577522-A-G.
Identifiers: ClinVar variation 508014 (VCV000508014.1), dbSNP rs777888220, ClinGen allele CA4435199.